The following is an entry in ClinVar:

NM_001754.5(RUNX1):c.*3619A>G

Gene: RUNX1 (RUNX family transcription factor 1; minus strand). Cytogenetic location: 21q22.12.
Variant type: single nucleotide variant.
Coding change: c.*3619A>G on transcript NM_001754.5 (MANE Select); 3619 bases downstream of the stop codon, A replaced by G.
Molecular consequence: 3 prime UTR variant.
Genome position (GRCh38, 1-based): chr21:34,788,516, T>C on the plus strand (A>G on the coding strand, the complement: RUNX1 is on the minus strand). VCF-style: chr21-34788516-T-C. GRCh37 (hg19) VCF-style: chr21-36160813-T-C.
Other names: c.*3619A>G (NM_001001890.3, NM_001754.4).
Identifiers: ClinVar variation 339802 (VCV000339802.6), dbSNP rs139372063, ClinGen allele CA10652906.
Genomic context (GRCh38, chr21:34,788,516, plus strand): 5'-TAGCTCATTTTAAAGTCTAAAATAAACAAAGTAGAAAGAAGCATTTTTTTCCCTACAGTA[T>C]TTAGCAAACCTAAGAAAAAGTCCTTAGAAACACACACAAAAAAATTGAAAAAAAGTTATA-3'

ClinVar aggregate classification (germline): Benign. Review status: reviewed by expert panel (3 of 4 stars). 2 submissions from 2 submitters: Benign (1). 1 of the submissions does not count toward it. Last evaluated 2020-05-13.

Conditions:
Hereditary thrombocytopenia and hematologic cancer predisposition syndrome. Identifiers: Orphanet 71290, MedGen CN281654, MONDO:0011071.
Hereditary thrombocytopenia and hematological cancer predisposition syndrome associated with RUNX1. Also called: PLATELET DISORDER, ASPIRIN-LIKE; RUNX1 Familial Platelet Disorder with Associated Myeloid Malignancies; Familial Platelet Disorder with Propensity to Acute Myelogenous Leukemia; Familial thrombocytopenia with propensity to acute myelogenous leukemia. Identifiers: Orphanet 71290, MedGen C1832388, MeSH C563324, MONDO:0100083, OMIM 601399.

Allele frequency attached by ClinVar (database versions not stated): gnomAD exomes 0.00583; gnomAD 0.00746 and 0.00800; TOPMed 0.01002; 1000 Genomes Project 30x 0.01405; 1000 Genomes Project 0.01498.
gnomAD v4.1: 1,654 of 233,112 alleles (0.71%); highest among the groups gnomAD compares: Admixed American, 2.9%; 24 homozygotes.

Submissions (2):

ClinGen Myeloid Malignancy Variant Curation Expert Panel
Classification: Benign for Hereditary thrombocytopenia and hematologic cancer predisposition syndrome. Last evaluated: 2020-05-13. Review status: reviewed by expert panel. Criteria: ClinGen MyeloMalig ACMG Specifications v1. Collection method: curation. Allele origin: germline. Inheritance: Autosomal dominant inheritance.
Comment: The c.*3619A>G variant in the 3' UTR has an MAF of 0.02813 (2.8%, 384/13650 alleles) in the Latino subpopulation of the gnomAD v3 cohort and is >= 0.0015 (0.15%) (BA1). This variant is detected in a homozygous state in 11 individuals in the gnomAD v3 population database (BP2). In summary, this variant meets criteria to be classified as benign. ACMG/AMP criteria applied, as specified by the Myeloid Malignancy Variant Curation Expert Panel for RUNX1: BA1, BP2.

Illumina Laboratory Services, Illumina
Classification: Benign for Hereditary thrombocytopenia and hematological cancer predisposition syndrome associated with RUNX1. Last evaluated: 2018-01-13. Review status: criteria provided, single submitter. Criteria: ICSL Variant Classification Criteria 13 December 2019. Collection method: clinical testing. Allele origin: germline. Not counted in ClinVar's aggregate classification.
Comment: This variant was observed in the ICSL laboratory as part of a predisposition screen in an ostensibly healthy population. It had not been previously curated by ICSL or reported in the Human Gene Mutation Database (HGMD: prior to June 1st, 2018), and was therefore a candidate for classification through an automated scoring system. Utilizing variant allele frequency, disease prevalence and penetrance estimates, and inheritance mode, an automated score was calculated to assess if this variant is too frequent to cause the disease. Based on the score and internal cut-off values, a variant classified as benign is not then subjected to further curation. The score for this variant resulted in a classification of benign for this disease.